The following is an entry in ClinVar:

ClinVar aggregate classification (germline): Uncertain significance. Review status: criteria provided, multiple submitters, no conflicts (2 of 4 stars). 2 submissions from 2 submitters: Uncertain significance (2). Last evaluated 2025-12-30.

Conditions:
Inborn genetic diseases. Identifiers: MedGen C0950123, MeSH D030342.

Allele frequency attached by ClinVar (database versions not stated): gnomAD exomes 0.00001 and 0.00004; TOPMed 0.00001; gnomAD 0.00002; ExAC 0.00004; ESP Exome Variant Server 0.00009.

Submissions (2):

Ambry Genetics
Classification: Uncertain significance for Inborn genetic diseases. Last evaluated: 2025-12-30. Review status: criteria provided, single submitter. Criteria: Ambry Variant Classification Scheme 2023. Collection method: clinical testing. Allele origin: germline.

Labcorp Genetics (formerly Invitae), Labcorp
Classification: Uncertain significance. Last evaluated: 2023-03-16. Review status: criteria provided, single submitter. Criteria: Invitae Variant Classification Sherloc (09022015). Collection method: clinical testing. Allele origin: germline.
Comment: In summary, the available evidence is currently insufficient to determine the role of this variant in disease. Therefore, it has been classified as a Variant of Uncertain Significance. An algorithm developed to predict the effect of missense changes on protein structure and function (PolyPhen-2) suggests that this variant is likely to be tolerated. ClinVar contains an entry for this variant (Variation ID: 1475820). This variant has not been reported in the literature in individuals affected with GPR143-related conditions. This variant is present in population databases (rs370069153, gnomAD 0.01%). This sequence change replaces isoleucine, which is neutral and non-polar, with threonine, which is neutral and polar, at codon 380 of the GPR143 protein (p.Ile380Thr).

NM_000273.3(GPR143):c.1139T>C (p.Ile380Thr)

Gene: GPR143 (G protein-coupled receptor 143; minus strand). Cytogenetic location: Xp22.2.
Variant type: single nucleotide variant.
Coding change: c.1139T>C on transcript NM_000273.3 (MANE Select); coding-DNA position 1139, T replaced by C.
Protein change: p.Ile380Thr; replaces isoleucine 380 with threonine.
Molecular consequence: missense variant.
Genome position (GRCh38, 1-based): chrX:9,725,822, A>G on the plus strand (T>C on the coding strand, the complement: GPR143 is on the minus strand). VCF-style: chrX-9725822-A-G. GRCh37 (hg19) VCF-style: chrX-9693862-A-G.
Other names: c.1139T>C (NM_000273.2); short protein forms I380T.
Identifiers: ClinVar variation 1475820 (VCV001475820.7), dbSNP rs370069153, ClinGen allele CA10344873.